The following is an entry in ClinVar:

ClinVar aggregate classification (germline): Likely benign. Review status: criteria provided, single submitter (1 of 4 stars). 2 submissions from 2 submitters: Likely benign (1). 1 of the submissions does not count toward it. Last evaluated 2025-03-25.

Conditions:
Hyperammonemic encephalopathy due to carbonic anhydrase VA deficiency. Also called: Carbonic Anhydrase VA Deficiency; Carbonic anhydrase VA deficiency, hyperammonemia due to. Identifiers: Orphanet 401948, MedGen C4706871, MONDO:0014332, OMIM 615751.
CA5A-related disorder. Also called: CA5A-related condition.

Allele frequency attached by ClinVar (database versions not stated): gnomAD exomes 0.00006 and 0.00026; ESP Exome Variant Server 0.00008; gnomAD 0.00008 and 0.00009; ExAC 0.00016; TOPMed 0.00018; 1000 Genomes Project 0.00040; 1000 Genomes Project 30x 0.00047.
gnomAD v4.1: 95 of 1,537,136 alleles (0.0062%); highest among the groups gnomAD compares: East Asian, 0.16%; 1 homozygote.

Submissions (2):

Labcorp Genetics (formerly Invitae), Labcorp
Classification: Likely benign for Hyperammonemic encephalopathy due to carbonic anhydrase VA deficiency. Last evaluated: 2025-03-25. Review status: criteria provided, single submitter. Criteria: Invitae Variant Classification Sherloc (09022015). Collection method: clinical testing. Allele origin: germline.

PreventionGenetics, part of Exact Sciences
Classification: Likely benign for CA5A-related condition. Last evaluated: 2019-10-22. Review status: no assertion criteria provided. Collection method: clinical testing. Allele origin: germline. Not counted in ClinVar's aggregate classification.
Comment: This variant is classified as likely benign based on ACMG/AMP sequence variant interpretation guidelines (Richards et al. 2015 PMID: 25741868, with internal and published modifications).

NM_001739.2(CA5A):c.624G>A (p.Ala208=)

Gene: CA5A (carbonic anhydrase 5A; minus strand). Cytogenetic location: 16q24.2.
Variant type: single nucleotide variant.
Coding change: c.624G>A on transcript NM_001739.2 (MANE Select); coding-DNA position 624, G replaced by A.
Protein change: p.Ala208=; no amino-acid change (alanine 208 retained).
Molecular consequence: synonymous variant. On other transcripts: non-coding transcript variant (2).
Genome position (GRCh38, 1-based): chr16:87,891,949, C>T on the plus strand (G>A on the coding strand, the complement: CA5A is on the minus strand). VCF-style: chr16-87891949-C-T. GRCh37 (hg19) VCF-style: chr16-87925555-C-T.
Other names: c.624G>A, p.Ala208= (NM_001367225.1).
Identifiers: ClinVar variation 738226 (VCV000738226.8), dbSNP rs370926490, ClinGen allele CA8223338.
Genomic context (GRCh38, chr16:87,891,949, plus strand): 5'-CCAGTAATCCCAGCAGGTGGGCAGCAGAGTGGAGGGGTCGAAGGGGCGCATGGCCGCCCG[C>T]GCGTCCTGAGAGACCGAGAAGCACAGGACGTGTCAGTCCTCAGGGGAGACTAGGAGCTTC-3'
Protein context (NP_001730.1, residues 198-218): DILPEIKHKD[Ala208=]RAAMRPFDPS